The following is an entry in ClinVar:

NM_145239.3(PRRT2):c.321A>C (p.Glu107Asp)

Genes: MVP-DT (MVP divergent transcript; minus strand), PRRT2 (proline rich transmembrane protein 2; plus strand). Cytogenetic location: 16p11.2.
Variant type: single nucleotide variant.
Coding change: c.321A>C on transcript NM_145239.3 (MANE Select); coding-DNA position 321, A replaced by C.
Protein change: p.Glu107Asp; replaces glutamic acid 107 with aspartic acid.
Molecular consequence: missense variant.
Genome position (GRCh38, 1-based): chr16:29,813,375, A>C. VCF-style: chr16-29813375-A-C. GRCh37 (hg19) VCF-style: chr16-29824696-A-C.
Other names: c.321A>C, p.Glu107Asp (NM_001256442.2, NM_001256443.2); short protein forms E107D.
Identifiers: ClinVar variation 3637518 (VCV003637518.2).

ClinVar aggregate classification (germline): Uncertain significance (1 of 4 stars; one submission).

Conditions:
Episodic kinesigenic dyskinesia (EKD). Also called: Paroxysmal kinesigenic dyskinesia. Identifiers: Orphanet 98809, MedGen C1868682, MONDO:0044202.

Submission:

Labcorp Genetics (formerly Invitae), Labcorp
Classification: Uncertain significance for Episodic kinesigenic dyskinesia. Last evaluated: 2024-05-10. Review status: criteria provided, single submitter. Criteria: Invitae Variant Classification Sherloc (09022015). Collection method: clinical testing. Allele origin: germline.
Comment: This sequence change replaces glutamic acid, which is acidic and polar, with aspartic acid, which is acidic and polar, at codon 107 of the PRRT2 protein (p.Glu107Asp). This variant is not present in population databases (gnomAD no frequency). This variant has not been reported in the literature in individuals affected with PRRT2-related conditions. Advanced modeling of protein sequence and biophysical properties (such as structural, functional, and spatial information, amino acid conservation, physicochemical variation, residue mobility, and thermodynamic stability) performed at Invitae indicates that this missense variant is not expected to disrupt PRRT2 protein function with a negative predictive value of 95%. In summary, the available evidence is currently insufficient to determine the role of this variant in disease. Therefore, it has been classified as a Variant of Uncertain Significance.